The following is an entry in ClinVar:

ClinVar aggregate classification (germline): Uncertain significance (1 of 4 stars; one submission).

Submission:

Labcorp Genetics (formerly Invitae), Labcorp
Classification: Uncertain significance. Last evaluated: 2022-03-01. Review status: criteria provided, single submitter. Criteria: Invitae Variant Classification Sherloc (09022015). Collection method: clinical testing. Allele origin: germline.
Comment: In summary, the available evidence is currently insufficient to determine the role of this variant in disease. Therefore, it has been classified as a Variant of Uncertain Significance. Algorithms developed to predict the effect of missense changes on protein structure and function are either unavailable or do not agree on the potential impact of this missense change (SIFT: "Tolerated"; PolyPhen-2: "Not Available"; Align-GVGD: "Class C0"). This variant has not been reported in the literature in individuals affected with ATRN-related conditions. This variant is not present in population databases (gnomAD no frequency). This sequence change replaces alanine, which is neutral and non-polar, with valine, which is neutral and non-polar, at codon 23 of the ATRN protein (p.Ala23Val).

NM_139321.3(ATRN):c.68C>T (p.Ala23Val)

Genes: ATRN (attractin; plus strand), LOC130065331 (ATAC-STARR-seq lymphoblastoid silent region 12621; plus strand). Cytogenetic location: 20p13.
Variant type: single nucleotide variant.
Coding change: c.68C>T on transcript NM_139321.3 (MANE Select); coding-DNA position 68, C replaced by T.
Protein change: p.Ala23Val; replaces alanine 23 with valine.
Molecular consequence: missense variant. On other transcripts: intron variant (1).
Genome position (GRCh38, 1-based): chr20:3,471,175, C>T. VCF-style: chr20-3471175-C-T. GRCh37 (hg19) VCF-style: chr20-3451822-C-T.
Other names: c.68C>T, p.Ala23Val (NM_001323332.2, NM_139322.4); c.62+41C>T (NM_001207047.3); short protein forms A23V.
Identifiers: ClinVar variation 2103723 (VCV002103723.4), dbSNP rs2514328689, ClinGen allele CA408251572.
Genomic context (GRCh38, chr20:3,471,175, plus strand): 5'-CTGCAGCGGCGGCAACTGAGGCAAGGCTGAGGAGGAGGACGGCGGCGACGGCAGCGCTCG[C>T]GGGCAGGAGCGGCGGGCCGCACTGGGACTGGGACGTGACCAGGGCTGGGAGGCCGGGGCT-3'
Protein context (NP_647537.1, residues 13-33): RRRTAATAAL[Ala23Val]GRSGGPHWDW